The following is an entry in ClinVar:

NM_152564.5(VPS13B):c.5377C>T (p.Arg1793Cys)

Gene: VPS13B (vacuolar protein sorting 13 homolog B; plus strand). Cytogenetic location: 8q22.2.
Variant type: single nucleotide variant.
Coding change: c.5377C>T on transcript NM_152564.5 (MANE Select); coding-DNA position 5377, C replaced by T.
Protein change: p.Arg1793Cys; replaces arginine 1793 with cysteine.
Molecular consequence: missense variant.
Genome position (GRCh38, 1-based): chr8:99,641,967, C>T. VCF-style: chr8-99641967-C-T. GRCh37 (hg19) VCF-style: chr8-100654195-C-T.
Other names: c.5452C>T, p.Arg1818Cys (NM_017890.5); c.5377C>T (NM_152564.4); short protein forms R1793C, R1818C.
Identifiers: ClinVar variation 212576 (VCV000212576.8), dbSNP rs760207080, ClinGen allele CA208848.
Genomic context (GRCh38, chr8:99,641,967, plus strand): 5'-AGTGACAGTGTTAAAATCAGAATAGTGCAAATAGAGCAGCACAGTGGTGCCAGTCAGCAT[C>T]GCATTGCCCGTCCCTCACGCCAGTCATCAATTGTAAAAAATCTAAATTTTATTCCCTTTG-3'
Protein context (NP_689777.3, residues 1783-1803): IEQHSGASQH[Arg1793Cys]IARPSRQSSI

ClinVar aggregate classification (germline): Uncertain significance. Review status: criteria provided, multiple submitters, no conflicts (2 of 4 stars). 3 submissions from 3 submitters: Uncertain significance (3). Last evaluated 2026-04-20.

Conditions:
VPS13B-related disorder. Also called: VPS13B-related condition.
Cohen syndrome (COH1). Also called: Cutis verticis gyrata, retinitis pigmentosa, and sensorineural deafness; PEPPER SYNDROME. Identifiers: Orphanet 193, MedGen C0265223, MONDO:0008999, OMIM 216550.

Allele frequency attached by ClinVar (database versions not stated): gnomAD 0.00001; gnomAD exomes 0.00001 and 0.00002; TOPMed 0.00001; ExAC 0.00002.
gnomAD v4.1: 22 of 1,614,000 alleles (0.0014%); highest among the groups gnomAD compares: Admixed American, 0.01%; no homozygotes.

Submissions (3):

PreventionGenetics, part of Exact Sciences
Classification: Uncertain significance for VPS13B-related condition. Last evaluated: 2026-04-20. Review status: criteria provided, single submitter. Criteria: ACMG Guidelines, 2015. Collection method: clinical testing. Allele origin: germline.
Comment: The VPS13B c.5377C>T variant is predicted to result in the amino acid substitution p.Arg1793Cys. To our knowledge, this variant has not been reported in the literature. This variant is reported in 0.011% of alleles in individuals of Latino descent in gnomAD. At this time, the clinical significance of this variant is uncertain due to the absence of conclusive functional and genetic evidence.

Labcorp Genetics (formerly Invitae), Labcorp
Classification: Uncertain significance for Cohen syndrome. Last evaluated: 2022-08-12. Review status: criteria provided, single submitter. Criteria: Invitae Variant Classification Sherloc (09022015). Collection method: clinical testing. Allele origin: germline.
Comment: This sequence change replaces arginine, which is basic and polar, with cysteine, which is neutral and slightly polar, at codon 1818 of the VPS13B protein (p.Arg1818Cys). This variant is present in population databases (rs760207080, gnomAD 0.01%). This variant has not been reported in the literature in individuals affected with VPS13B-related conditions. ClinVar contains an entry for this variant (Variation ID: 212576). Algorithms developed to predict the effect of missense changes on protein structure and function are either unavailable or do not agree on the potential impact of this missense change (SIFT: "Not Available"; PolyPhen-2: "Probably Damaging"; Align-GVGD: "Not Available"). In summary, the available evidence is currently insufficient to determine the role of this variant in disease. Therefore, it has been classified as a Variant of Uncertain Significance.

Genetic Services Laboratory, University of Chicago
Classification: Uncertain significance. Last evaluated: 2015-03-24. Review status: criteria provided, single submitter. Criteria: ACMG Guidelines, 2015. Collection method: clinical testing. Allele origin: germline.